The following is an entry in ClinVar:

ClinVar aggregate classification (germline): Uncertain significance (1 of 4 stars; one submission).

Conditions:
Retinitis pigmentosa 71 (RP71). Identifiers: Orphanet 791, MedGen C4225342, MONDO:0014618, OMIM 616394.
Short-rib thoracic dysplasia 10 with or without polydactyly (SRTD10). Identifiers: Orphanet 474, MedGen C3810175, MONDO:0014284, OMIM 615630.

Submission:

Labcorp Genetics (formerly Invitae), Labcorp
Classification: Uncertain significance for Retinitis pigmentosa 71; Short-rib thoracic dysplasia 10 with or without polydactyly. Last evaluated: 2022-08-09. Review status: criteria provided, single submitter. Criteria: Invitae Variant Classification Sherloc (09022015). Collection method: clinical testing. Allele origin: germline.
Comment: In summary, the available evidence is currently insufficient to determine the role of this variant in disease. Therefore, it has been classified as a Variant of Uncertain Significance. Algorithms developed to predict the effect of missense changes on protein structure and function are either unavailable or do not agree on the potential impact of this missense change (SIFT: "Deleterious"; PolyPhen-2: "Possibly Damaging"; Align-GVGD: "Class C0"). ClinVar contains an entry for this variant (Variation ID: 1354878). This variant has not been reported in the literature in individuals affected with IFT172-related conditions. This variant is not present in population databases (gnomAD no frequency). This sequence change replaces aspartic acid, which is acidic and polar, with asparagine, which is neutral and polar, at codon 1487 of the IFT172 protein (p.Asp1487Asn).

NM_015662.3(IFT172):c.4459G>A (p.Asp1487Asn)

Gene: IFT172 (intraflagellar transport 172; minus strand). Cytogenetic location: 2p23.3.
Variant type: single nucleotide variant.
Coding change: c.4459G>A on transcript NM_015662.3 (MANE Select); coding-DNA position 4459, G replaced by A.
Protein change: p.Asp1487Asn; replaces aspartic acid 1487 with asparagine.
Molecular consequence: missense variant.
Genome position (GRCh38, 1-based): chr2:27,447,892, C>T on the plus strand (G>A on the coding strand, the complement: IFT172 is on the minus strand). VCF-style: chr2-27447892-C-T. GRCh37 (hg19) VCF-style: chr2-27670759-C-T.
Other names: short protein forms D1487N.
Identifiers: ClinVar variation 1354878 (VCV001354878.8), dbSNP rs371807689, ClinGen allele CA346417918.